The following is an entry in ClinVar:

ClinVar aggregate classification (germline): Uncertain significance (1 of 4 stars; one submission).

Allele frequency attached by ClinVar (database versions not stated): ExAC 0.00001; gnomAD exomes 0.00001.
gnomAD v4.1: 16 of 1,610,898 alleles (0.00099%); highest among the groups gnomAD compares: Non-Finnish European, 0.0013%; no homozygotes.

Submission:

Labcorp Genetics (formerly Invitae), Labcorp
Classification: Uncertain significance. Last evaluated: 2022-03-26. Review status: criteria provided, single submitter. Criteria: Invitae Variant Classification Sherloc (09022015). Collection method: clinical testing. Allele origin: germline.
Comment: This sequence change replaces alanine, which is neutral and non-polar, with valine, which is neutral and non-polar, at codon 883 of the LTBP2 protein (p.Ala883Val). The frequency data for this variant in the population databases is considered unreliable, as metrics indicate poor data quality at this position in the gnomAD database. This variant has not been reported in the literature in individuals affected with LTBP2-related conditions. Algorithms developed to predict the effect of missense changes on protein structure and function are either unavailable or do not agree on the potential impact of this missense change (SIFT: "Tolerated"; PolyPhen-2: "Possibly Damaging"; Align-GVGD: "Class C0"). In summary, the available evidence is currently insufficient to determine the role of this variant in disease. Therefore, it has been classified as a Variant of Uncertain Significance.

NM_000428.3(LTBP2):c.2648C>T (p.Ala883Val)

Gene: LTBP2 (latent transforming growth factor beta binding protein 2; minus strand). Cytogenetic location: 14q24.3.
Variant type: single nucleotide variant.
Coding change: c.2648C>T on transcript NM_000428.3 (MANE Select); coding-DNA position 2648, C replaced by T.
Protein change: p.Ala883Val; replaces alanine 883 with valine.
Molecular consequence: missense variant.
Genome position (GRCh38, 1-based): chr14:74,522,801, G>A on the plus strand (C>T on the coding strand, the complement: LTBP2 is on the minus strand). VCF-style: chr14-74522801-G-A. GRCh37 (hg19) VCF-style: chr14-74989504-G-A.
Other names: short protein forms A883V.
Identifiers: ClinVar variation 2049476 (VCV002049476.1), dbSNP rs770919649, ClinGen allele CA7269441.